The following is an entry in ClinVar:

NM_001040108.2(MLH3):c.2289G>T (p.Lys763Asn)

Gene: MLH3 (mutL homolog 3; minus strand). Cytogenetic location: 14q24.3.
Variant type: single nucleotide variant.
Coding change: c.2289G>T on transcript NM_001040108.2 (MANE Select); coding-DNA position 2289, G replaced by T.
Protein change: p.Lys763Asn; replaces lysine 763 with asparagine.
Molecular consequence: missense variant.
Genome position (GRCh38, 1-based): chr14:75,047,367, C>A on the plus strand (G>T on the coding strand, the complement: MLH3 is on the minus strand). VCF-style: chr14-75047367-C-A. GRCh37 (hg19) VCF-style: chr14-75514070-C-A.
Other names: c.2289G>T, p.Lys763Asn (NM_014381.3); short protein forms K763N.
Identifiers: ClinVar variation 1016294 (VCV001016294.11), dbSNP rs1428119509, ClinGen allele CA390441025.

ClinVar aggregate classification (germline): Uncertain significance. Review status: criteria provided, multiple submitters, no conflicts (2 of 4 stars). 2 submissions from 2 submitters: Uncertain significance (2). Last evaluated 2023-09-04.

Conditions:
Colorectal cancer, hereditary nonpolyposis, type 7. Identifiers: Orphanet 144, MedGen C1858380, MONDO:0013725, OMIM 614385.

Allele frequency attached by ClinVar (database versions not stated): gnomAD 0.00001; TOPMed 0.00001.
gnomAD v4.1: 4 of 1,613,984 alleles (0.00025%); highest among the groups gnomAD compares: Non-Finnish European, 0.00034%; no homozygotes.

Submissions (2):

Ambry Genetics
Classification: Uncertain significance. Last evaluated: 2023-09-04. Review status: criteria provided, single submitter. Criteria: Ambry Variant Classification Scheme 2023. Collection method: clinical testing. Allele origin: germline.
Comment: The p.K763N variant (also known as c.2289G>T), located in coding exon 1 of the MLH3 gene, results from a G to T substitution at nucleotide position 2289. The lysine at codon 763 is replaced by asparagine, an amino acid with similar properties. This amino acid position is well conserved in available vertebrate species. In addition, this alteration is predicted to be tolerated by in silico analysis. Since supporting evidence is limited at this time, the clinical significance of this alteration remains unclear.

Labcorp Genetics (formerly Invitae), Labcorp
Classification: Uncertain significance for Colorectal cancer, hereditary nonpolyposis, type 7. Last evaluated: 2020-02-13. Review status: criteria provided, single submitter. Criteria: Invitae Variant Classification Sherloc (09022015). Collection method: clinical testing. Allele origin: germline.
Comment: This sequence change replaces lysine with asparagine at codon 763 of the MLH3 protein (p.Lys763Asn). The lysine residue is moderately conserved and there is a moderate physicochemical difference between lysine and asparagine. This variant is not present in population databases (ExAC no frequency). This variant has not been reported in the literature in individuals with MLH3-related conditions. Algorithms developed to predict the effect of missense changes on protein structure and function output the following: SIFT: "Deleterious"; PolyPhen-2: "Benign"; Align-GVGD: "Class C0". The asparagine amino acid residue is found in multiple mammalian species, suggesting that this missense change does not adversely affect protein function. These predictions have not been confirmed by published functional studies and their clinical significance is uncertain. In summary, the available evidence is currently insufficient to determine the role of this variant in disease. Therefore, it has been classified as a Variant of Uncertain Significance.